The following is an entry in ClinVar:

ClinVar aggregate classification (germline): Likely pathogenic (0 of 4 stars; one submission).

Conditions:
FOCAD-related disorder. Also called: FOCAD-related condition.

Submission:

PreventionGenetics, part of Exact Sciences
Classification: Likely pathogenic for FOCAD-related condition. Last evaluated: 2024-08-26. Review status: no assertion criteria provided. Collection method: clinical testing. Allele origin: germline.
Comment: The FOCAD c.2503+1G>T variant is predicted to disrupt the GT donor site and interfere with normal splicing. To our knowledge, this variant has not been reported in the literature or in a large population database, indicating this variant is rare. Variants that disrupt the consensus splice donor site in FOCAD are expected to be pathogenic. This variant is interpreted as likely pathogenic.

NM_001375567.1(FOCAD):c.2503+1G>T

Gene: FOCAD (focadhesin; plus strand). Cytogenetic location: 9p21.3.
Variant type: single nucleotide variant.
Coding change: c.2503+1G>T on transcript NM_001375567.1 (MANE Select); the canonical splice donor site of the intron after coding-DNA position 2503, G replaced by T.
Molecular consequence: splice donor variant.
Genome position (GRCh38, 1-based): chr9:20,882,057, G>T. VCF-style: chr9-20882057-G-T. GRCh37 (hg19) VCF-style: chr9-20882056-G-T.
Other names: c.2503+1G>T (NM_017794.5); c.2398+1G>T (NM_001375568.1, NM_001375570.1).
Identifiers: ClinVar variation 3347113 (VCV003347113.1).